The following is an entry in ClinVar:

NM_033028.5(BBS4):c.76+1G>A

Gene: BBS4 (Bardet-Biedl syndrome 4; plus strand). Cytogenetic location: 15q24.1.
Variant type: single nucleotide variant.
Coding change: c.76+1G>A on transcript NM_033028.5 (MANE Select); the canonical splice donor site of the intron after coding-DNA position 76, G replaced by A.
Molecular consequence: splice donor variant. On other transcripts: intron variant (1).
Genome position (GRCh38, 1-based): chr15:72,695,229, G>A. VCF-style: chr15-72695229-G-A. GRCh37 (hg19) VCF-style: chr15-72987570-G-A.
Other names: c.76+1G>A (NM_001320665.2); c.-446+8978G>A (NM_001252678.2).
Identifiers: ClinVar variation 3614126 (VCV003614126.2).
Genomic context (GRCh38, chr15:72,695,229, plus strand): 5'-CATTTCAGAGAACTCAATTTCCTGTATCTACTGAGTCTCAAAAACCCCGGCAGAAAAAAG[G>A]TCTGTATGCAGTTTCATGGTATGTGTATGTTTGCACAGACAGATTTCTCTTTTATTTATT-3'

ClinVar aggregate classification (germline): Pathogenic (1 of 4 stars; one submission).

Conditions:
Bardet-Biedl syndrome (BBS). Identifiers: Orphanet 110, MedGen C0752166, MONDO:0015229.

gnomAD v4.1: 3 of 1,586,098 alleles (0.00019%); highest among the groups gnomAD compares: African/African-American, 0.0027%; no homozygotes.

Submission:

Labcorp Genetics (formerly Invitae), Labcorp
Classification: Pathogenic for Bardet-Biedl syndrome. Last evaluated: 2024-02-24. Review status: criteria provided, single submitter. Criteria: Invitae Variant Classification Sherloc (09022015). Collection method: clinical testing. Allele origin: germline.
Comment: This sequence change affects a donor splice site in intron 2 of the BBS4 gene. It is expected to disrupt RNA splicing. Variants that disrupt the donor or acceptor splice site typically lead to a loss of protein function (PMID: 16199547), and loss-of-function variants in BBS4 are known to be pathogenic (PMID: 11381270, 12016587, 20177705, 27894351). This variant is present in population databases (no rsID available, gnomAD 0.004%). Disruption of this splice site has been observed in individuals with clinical features of Bardet-Biedl syndrome (PMID: 30614526; Invitae). Algorithms developed to predict the effect of sequence changes on RNA splicing suggest that this variant may disrupt the consensus splice site. For these reasons, this variant has been classified as Pathogenic.

Literature cited by the submitters: PubMed 16199547; PubMed 11381270; PubMed 12016587; PubMed 20177705; PubMed 27894351; PubMed 30614526.